The following is an entry in ClinVar:

NM_001330078.2(NRXN1):c.808A>T (p.Met270Leu)

Gene: NRXN1 (neurexin 1; minus strand). Cytogenetic location: 2p16.3.
Variant type: single nucleotide variant.
Coding change: c.808A>T on transcript NM_001330078.2 (MANE Select); coding-DNA position 808, A replaced by T.
Protein change: p.Met270Leu; replaces methionine 270 with leucine.
Molecular consequence: missense variant. On other transcripts: intron variant (4).
Genome position (GRCh38, 1-based): chr2:50,922,670, T>A on the plus strand (A>T on the coding strand, the complement: NRXN1 is on the minus strand). VCF-style: chr2-50922670-T-A. GRCh37 (hg19) VCF-style: chr2-51149808-T-A.
Other names: c.907A>T (NM_001135659.1); c.907A>T, p.Met303Leu (NM_001135659.3); c.808A>T, p.Met270Leu (NM_001330077.2, NM_001330081.2, NM_001330082.2 and 6 more transcripts); c.805A>T, p.Met269Leu (NM_001330079.2, NM_001330093.2); c.790A>T, p.Met264Leu (NM_001330088.2, NM_001330089.2); c.772+104832A>T (NM_001330096.2, NM_001330087.2, NM_001330083.2 and 1 more transcripts); short protein forms M270L, M303L, M264L, M269L.
Identifiers: ClinVar variation 1406172 (VCV001406172.9), dbSNP rs771182546, ClinGen allele CA1655299.

ClinVar aggregate classification (germline): Uncertain significance. Review status: criteria provided, multiple submitters, no conflicts (2 of 4 stars). 2 submissions from 2 submitters: Uncertain significance (2). Last evaluated 2024-10-01.

Conditions:
Inborn genetic diseases. Identifiers: MedGen C0950123, MeSH D030342.
Pitt-Hopkins-like syndrome 2 (PTHSL2). Identifiers: Orphanet 221150, Orphanet 600663, MedGen C3280479, MONDO:0013690, OMIM 614325.

Allele frequency attached by ClinVar (database versions not stated): gnomAD 0.00001; ExAC 0.00002; gnomAD exomes 0.00002; TOPMed 0.00002.
gnomAD v4.1: 5 of 1,610,380 alleles (0.00031%); highest among the groups gnomAD compares: Admixed American, 0.0084%; no homozygotes.

Submissions (2):

Ambry Genetics
Classification: Uncertain significance for Inborn genetic diseases. Last evaluated: 2024-10-01. Review status: criteria provided, single submitter. Criteria: Ambry Variant Classification Scheme 2023. Collection method: clinical testing. Allele origin: germline.

Labcorp Genetics (formerly Invitae), Labcorp
Classification: Uncertain significance for Pitt-Hopkins-like syndrome 2. Last evaluated: 2024-04-29. Review status: criteria provided, single submitter. Criteria: Invitae Variant Classification Sherloc (09022015). Collection method: clinical testing. Allele origin: germline.
Comment: This sequence change replaces methionine, which is neutral and non-polar, with leucine, which is neutral and non-polar, at codon 303 of the NRXN1 protein (p.Met303Leu). This variant is present in population databases (rs771182546, gnomAD 0.01%). This variant has not been reported in the literature in individuals affected with NRXN1-related conditions. ClinVar contains an entry for this variant (Variation ID: 1406172). An algorithm developed to predict the effect of missense changes on protein structure and function (PolyPhen-2) suggests that this variant is likely to be tolerated. In summary, the available evidence is currently insufficient to determine the role of this variant in disease. Therefore, it has been classified as a Variant of Uncertain Significance.